The following is an entry in ClinVar:

ClinVar aggregate classification (germline): Uncertain significance (1 of 4 stars; one submission).

Conditions:
Inborn genetic diseases. Identifiers: MedGen C0950123, MeSH D030342.

gnomAD v4.1: 1 of 1,614,236 alleles (0.000062%); highest among the groups gnomAD compares: Non-Finnish European, 0.000085%; no homozygotes.

Submission:

Ambry Genetics
Classification: Uncertain significance for Inborn genetic diseases. Last evaluated: 2026-03-23. Review status: criteria provided, single submitter. Criteria: Ambry Variant Classification Scheme 2023. Collection method: clinical testing. Allele origin: germline.
Comment: The p.P374R variant (also known as c.1121C>G), located in coding exon 6 of the LTBP3 gene, results from a C to G substitution at nucleotide position 1121. The proline at codon 374 is replaced by arginine, an amino acid with dissimilar properties. This amino acid position is conserved. In addition, the in silico prediction for this alteration is inconclusive. Based on the available evidence, the clinical significance of this variant remains unclear.

NM_001130144.3(LTBP3):c.1121C>G (p.Pro374Arg)

Gene: LTBP3 (latent transforming growth factor beta binding protein 3; minus strand). Cytogenetic location: 11q13.1.
Variant type: single nucleotide variant.
Coding change: c.1121C>G on transcript NM_001130144.3 (MANE Select); coding-DNA position 1121, C replaced by G.
Protein change: p.Pro374Arg; replaces proline 374 with arginine.
Molecular consequence: missense variant.
Genome position (GRCh38, 1-based): chr11:65,552,925, G>C on the plus strand (C>G on the coding strand, the complement: LTBP3 is on the minus strand). VCF-style: chr11-65552925-G-C. GRCh37 (hg19) VCF-style: chr11-65320396-G-C.
Other names: c.770C>G, p.Pro257Arg (NM_001164266.1); c.1121C>G, p.Pro374Arg (NM_021070.4); short protein forms P257R, P374R.
Identifiers: ClinVar variation 4859308 (VCV004859308.1).
Genomic context (GRCh38, chr11:65,552,925, plus strand): 5'-CACTGTGTACGGGAGGGGCCTAAACTATGGCCAGGTGGGCAGACACAGCGATAGGAGCCA[G>C]GGTTGTTGAGGCAGTCACCATGGCGACACACGCCCGGCATTGCGCACTCGTTGATGTCTG-3'
Protein context (NP_001123616.1, residues 364-384): VCRHGDCLNN[Pro374Arg]GSYRCVCPPG